The following is an entry in ClinVar:

ClinVar aggregate classification (germline): Uncertain significance. Review status: criteria provided, multiple submitters, no conflicts (2 of 4 stars). 3 submissions from 3 submitters: Uncertain significance (3). Last evaluated 2023-11-17.

Conditions:
Hereditary cancer-predisposing syndrome. Also called: Neoplastic Syndromes, Hereditary; Tumor predisposition; Hereditary neoplastic syndrome; Hereditary Cancer Syndrome. Identifiers: Orphanet 140162, MedGen C0027672, MeSH D009386, MONDO:0015356.
Familial cancer of breast. Also called: BREAST CANCER, FAMILIAL; hereditary breast carcinoma; Hereditary breast cancer. Identifiers: Orphanet 227535, MedGen C0346153, MONDO:0016419, OMIM 114480. Disease mechanism: loss of function.

gnomAD v4.1: 1 of 1,614,158 alleles (0.000062%); highest among the groups gnomAD compares: Non-Finnish European, 0.000085%; no homozygotes.

Submissions (3):

Baylor Genetics
Classification: Uncertain significance for Familial cancer of breast. Last evaluated: 2023-11-17. Review status: criteria provided, single submitter. Criteria: ACMG Guidelines, 2015. Collection method: clinical testing. Allele origin: unknown.

Labcorp Genetics (formerly Invitae), Labcorp
Classification: Uncertain significance for Familial cancer of breast. Last evaluated: 2023-07-07. Review status: criteria provided, single submitter. Criteria: Invitae Variant Classification Sherloc (09022015). Collection method: clinical testing. Allele origin: germline.
Comment: This sequence change replaces asparagine, which is neutral and polar, with lysine, which is basic and polar, at codon 690 of the BARD1 protein (p.Asn690Lys). This variant is not present in population databases (gnomAD no frequency). This variant has not been reported in the literature in individuals affected with BARD1-related conditions. ClinVar contains an entry for this variant (Variation ID: 661780). An algorithm developed to predict the effect of missense changes on protein structure and function (PolyPhen-2) suggests that this variant is likely to be tolerated. In summary, the available evidence is currently insufficient to determine the role of this variant in disease. Therefore, it has been classified as a Variant of Uncertain Significance.

Ambry Genetics
Classification: Uncertain significance for Hereditary cancer-predisposing syndrome. Last evaluated: 2021-11-06. Review status: criteria provided, single submitter. Criteria: Ambry Variant Classification Scheme 2023. Collection method: clinical testing. Allele origin: germline.
Comment: The p.N690K variant (also known as c.2070C>A), located in coding exon 11 of the BARD1 gene, results from a C to A substitution at nucleotide position 2070. The asparagine at codon 690 is replaced by lysine, an amino acid with similar properties. This amino acid position is conserved. In addition, this alteration is predicted to be tolerated by in silico analysis. Since supporting evidence is limited at this time, the clinical significance of this alteration remains unclear.

NM_000465.4(BARD1):c.2070C>A (p.Asn690Lys)

Gene: BARD1 (BRCA1 associated RING domain 1; minus strand). Cytogenetic location: 2q35.
Variant type: single nucleotide variant.
Coding change: c.2070C>A on transcript NM_000465.4 (MANE Select); coding-DNA position 2070, C replaced by A.
Protein change: p.Asn690Lys; replaces asparagine 690 with lysine.
Molecular consequence: missense variant. On other transcripts: non-coding transcript variant (3).
Genome position (GRCh38, 1-based): chr2:214,728,940, G>T on the plus strand (C>A on the coding strand, the complement: BARD1 is on the minus strand). VCF-style: chr2-214728940-G-T. GRCh37 (hg19) VCF-style: chr2-215593664-G-T.
Other names: c.2013C>A, p.Asn671Lys (NM_001282543.2); c.717C>A, p.Asn239Lys (NM_001282545.2); c.660C>A, p.Asn220Lys (NM_001282548.2); c.531C>A, p.Asn177Lys (NM_001282549.2); short protein forms N177K, N220K, N671K, N690K, N239K.
Identifiers: ClinVar variation 661780 (VCV000661780.13), dbSNP rs1574703626, ClinGen allele CA350450677.
Genomic context (GRCh38, chr2:214,728,940, plus strand): 5'-GTCTGGCTTGGGCTTTCTACTGAGGATCTGGCCCCCACCTGCAGTGACGAGCTTAATAAG[G>T]TTGTCCTTTGGATGGTGTTTGAAGGTTCCCCACAAATAGAAGTAGCATCCATCAAACAGC-3'
Protein context (NP_000456.2, residues 680-700): WGTFKHHPKD[Asn690Lys]LIKLVTAGGG